The following is an entry in ClinVar:

ClinVar aggregate classification (germline): Benign/Likely benign. Review status: criteria provided, multiple submitters, no conflicts (2 of 4 stars). 4 submissions from 4 submitters: Benign (1); Likely benign (3). Last evaluated 2025-12-09.

Conditions:
Hereditary cancer-predisposing syndrome. Also called: Tumor predisposition; Neoplastic Syndromes, Hereditary; Hereditary Cancer Syndrome; Hereditary neoplastic syndrome. Identifiers: Orphanet 140162, MedGen C0027672, MeSH D009386, MONDO:0015356.
Hereditary diffuse gastric adenocarcinoma (HDGC). Also called: DIFFUSE GASTRIC AND LOBULAR BREAST CANCER SYNDROME. Identifiers: Orphanet 26106, MedGen C1708349, MONDO:0007648, OMIM 137215.

Allele frequency attached by ClinVar (database versions not stated): gnomAD 0.00001; ExAC 0.00002; gnomAD exomes 0.00003 and 0.00007.
gnomAD v4.1: 93 of 1,592,190 alleles (0.0058%); highest among the groups gnomAD compares: Non-Finnish European, 0.0078%; no homozygotes.

Submissions (4):

Labcorp Genetics (formerly Invitae), Labcorp
Classification: Likely benign. Last evaluated: 2025-12-09. Review status: criteria provided, single submitter. Criteria: Invitae Variant Classification Sherloc (09022015). Collection method: clinical testing. Allele origin: germline.

Myriad Genetics, Inc.
Classification: Benign for Hereditary diffuse gastric adenocarcinoma. Last evaluated: 2024-10-10. Review status: criteria provided, single submitter. Criteria: Myriad Autosomal Dominant, Autosomal Recessive and X-Linked Classification Criteria (2023). Collection method: clinical testing. Allele origin: unknown.
Comment: This variant is considered benign. This variant is a silent/synonymous amino acid change and it is not expected to impact splicing.

Ambry Genetics
Classification: Likely benign for Hereditary cancer-predisposing syndrome. Last evaluated: 2024-03-28. Review status: criteria provided, single submitter. Criteria: Ambry Variant Classification Scheme 2023. Collection method: clinical testing. Allele origin: germline.

Blueprint Genetics
Classification: Likely benign. Last evaluated: 2022-06-23. Review status: criteria provided, single submitter. Criteria: ACMG Guidelines, 2015. Collection method: clinical testing. Allele origin: germline.

NM_001903.5(CTNNA1):c.1149C>T (p.Arg383=)

Gene: CTNNA1 (catenin alpha 1; plus strand). Cytogenetic location: 5q31.2.
Variant type: single nucleotide variant.
Coding change: c.1149C>T on transcript NM_001903.5 (MANE Select); coding-DNA position 1149, C replaced by T.
Protein change: p.Arg383=; no amino-acid change (arginine 383 retained).
Molecular consequence: synonymous variant. On other transcripts: 5 prime UTR variant (5), intron variant (2).
Genome position (GRCh38, 1-based): chr5:138,887,495, C>T. VCF-style: chr5-138887495-C-T. GRCh37 (hg19) VCF-style: chr5-138223184-C-T.
Other names: c.1149C>T, p.Arg383= (NM_001290307.3, NM_001323982.2, NM_001323983.1 and 3 more transcripts); c.840C>T, p.Arg280= (NM_001290309.3); c.780C>T, p.Arg260= (NM_001290310.3); c.39C>T, p.Arg13= (NM_001290312.1, NM_001323987.1, NM_001323988.1 and 18 more transcripts); c.-359C>T (NM_001324006.1, NM_001324007.1, NM_001324008.1 and 1 more transcripts); c.-234C>T (NM_001324013.1); c.-58+11898C>T (NM_001324012.1); c.-61+11898C>T (NM_001324010.1).
Identifiers: ClinVar variation 784778 (VCV000784778.16), dbSNP rs771938321, ClinGen allele CA3431876.